The following is an entry in ClinVar:

NM_001142864.4(PIEZO1):c.1041G>T (p.Gly347=)

Genes: HSALR1 (HSP90AB1 associated lncRNA 1; plus strand), PIEZO1 (piezo type mechanosensitive ion channel component 1 (Er blood group); minus strand). Cytogenetic location: 16q24.3.
Variant type: single nucleotide variant.
Coding change: c.1041G>T on transcript NM_001142864.4 (MANE Select); coding-DNA position 1041, G replaced by T.
Protein change: p.Gly347=; no amino-acid change (glycine 347 retained).
Molecular consequence: synonymous variant.
Genome position (GRCh38, 1-based): chr16:88,737,794, C>A on the plus strand (G>T on the coding strand, the complement: PIEZO1 is on the minus strand). VCF-style: chr16-88737794-C-A. GRCh37 (hg19) VCF-style: chr16-88804202-C-A.
Identifiers: ClinVar variation 5041308 (VCV005041308.1).

ClinVar aggregate classification (germline): Likely benign (1 of 4 stars; one submission).

gnomAD v4.1: 2 of 1,535,838 alleles (0.00013%); highest among the groups gnomAD compares: South Asian, 0.0012%; no homozygotes.

Submission:

CeGaT Center for Human Genetics Tuebingen
Classification: Likely benign. Last evaluated: 2026-09-01. Review status: criteria provided, single submitter. Criteria: CeGaT Center For Human Genetics Tuebingen Variant Classification Criteria Version 2. Collection method: clinical testing. Allele origin: germline. Affected: yes. Observed: 1 variant allele.
Comment: PIEZO1: BP4, BP7